The following is an entry in ClinVar:

ClinVar aggregate classification (germline): Likely benign (1 of 4 stars; one submission).

gnomAD v4.1: 2 of 1,572,994 alleles (0.00013%); highest among the groups gnomAD compares: Admixed American, 0.0017%; no homozygotes.

Submission:

Mayo Clinic Laboratories, Mayo Clinic
Classification: Likely benign. Last evaluated: 2024-11-06. Review status: criteria provided, single submitter. Criteria: ACMG Guidelines, 2015. Collection method: clinical testing. Allele origin: germline. Observed: 1 variant allele.
Comment: BP4, BP7

NM_017780.4(CHD7):c.2610A>G (p.Ser870=)

Gene: CHD7 (chromodomain helicase DNA binding protein 7; plus strand). Cytogenetic location: 8q12.2.
Variant type: single nucleotide variant.
Coding change: c.2610A>G on transcript NM_017780.4 (MANE Select); coding-DNA position 2610, A replaced by G.
Protein change: p.Ser870=; no amino-acid change (serine 870 retained).
Molecular consequence: synonymous variant. On other transcripts: intron variant (1).
Genome position (GRCh38, 1-based): chr8:60,816,498, A>G. VCF-style: chr8-60816498-A-G. GRCh37 (hg19) VCF-style: chr8-61729057-A-G.
Other names: p.Ser870=; c.1716+35448A>G (NM_001316690.1).
Identifiers: ClinVar variation 4683346 (VCV004683346.1).